The following is an entry in ClinVar:

NC_000021.8:g.(?_36252844)_(36253020_?)del

Gene: RUNX1 (RUNX family transcription factor 1; minus strand). Cytogenetic location: 21q22.12.
Variant type: Deletion.
Other names: NC_000021.9:g.(?_34880547)_(34880723_?)del.
Identifiers: ClinVar variation 2665096 (VCV002665096.2).

ClinVar aggregate classification (germline): Pathogenic (3 of 4 stars; one submission).

Conditions:
Hereditary thrombocytopenia and hematologic cancer predisposition syndrome. Identifiers: Orphanet 71290, MedGen CN281654, MONDO:0011071.

Submission:

ClinGen Myeloid Malignancy Variant Curation Expert Panel
Classification: Pathogenic for Hereditary thrombocytopenia and hematologic cancer predisposition syndrome. Last evaluated: 2023-12-09. Review status: reviewed by expert panel. Criteria: ClinGen MyeloMalig ACMG Specifications v2. Collection method: curation. Allele origin: germline. Inheritance: Autosomal dominant inheritance.
Comment: NC_000021.9:g.(?_34880547)_(34880723_?)del causes a deletion of exon 5 in RUNX1, which results in a frameshift mutation leading to nonsense mediated decay of the protein. A similar deletion was found to co-segregate with disease in multiple affected family members, with five meioses observed in one family (PP1_ Moderate; PMID: 19946261). Deletions of exon 5 have been reported in two probands meeting at least one of the RUNX1-phenotypic criteria (PS4_ Moderate; PMID: 19946261, PMID: 32990483). Exon 5 contains codons 118 to 170 which lie within the functional domain of RUNX1. In addition, the deletion is absent from population databases. In summary, this variant meets criteria to be classified as pathogenic. ACMG/AMP criteria applied, as specified by the Myeloid Malignancy Variant Curation Expert Panel for RUNX1: PVS1, PP1_moderate, PS4_moderate, PM1_supporting, PM2_supporting.